The following is an entry in ClinVar:

ClinVar aggregate classification (germline): Uncertain significance (1 of 4 stars; one submission).

Conditions:
Inborn genetic diseases. Identifiers: MedGen C0950123, MeSH D030342.

Submission:

Ambry Genetics
Classification: Uncertain significance for Inborn genetic diseases. Last evaluated: 2025-05-21. Review status: criteria provided, single submitter. Criteria: Ambry Variant Classification Scheme 2023. Collection method: clinical testing. Allele origin: germline.
Comment: The p.I373L variant (also known as c.1117A>C), located in coding exon 12 of the RTEL1 gene, results from an A to C substitution at nucleotide position 1117. The isoleucine at codon 373 is replaced by leucine, an amino acid with highly similar properties. This amino acid position is conserved. In addition, the in silico prediction for this alteration is inconclusive. Based on the available evidence, the clinical significance of this variant remains unclear.

NM_001283009.2(RTEL1):c.1117A>C (p.Ile373Leu)

Genes: RTEL1 (regulator of telomere elongation helicase 1; plus strand), RTEL1-TNFRSF6B (RTEL1-TNFRSF6B readthrough (NMD candidate); plus strand). Cytogenetic location: 20q13.33.
Variant type: single nucleotide variant.
Coding change: c.1117A>C on transcript NM_001283009.2 (MANE Select); coding-DNA position 1117, A replaced by C.
Protein change: p.Ile373Leu; replaces isoleucine 373 with leucine.
Molecular consequence: missense variant. On other transcripts: non-coding transcript variant (1).
Genome position (GRCh38, 1-based): chr20:63,679,928, A>C. VCF-style: chr20-63679928-A-C. GRCh37 (hg19) VCF-style: chr20-62311281-A-C.
Other names: c.448A>C, p.Ile150Leu (NM_001283010.1); c.1117A>C, p.Ile373Leu (NM_016434.4); c.1189A>C, p.Ile397Leu (NM_032957.5); short protein forms I373L, I150L, I397L.
Identifiers: ClinVar variation 3948408 (VCV003948408.1).